The following is an entry in ClinVar:

NM_000431.4(MVK):c.500del (p.Pro167fs)

Gene: MVK (mevalonate kinase; plus strand). Cytogenetic location: 12q24.11.
Variant type: Deletion.
Coding change: c.500del on transcript NM_000431.4 (MANE Select); coding-DNA position 500, one base deleted (C; older notation c.500delC).
Protein change: p.Pro167fs; shifts the reading frame from proline 167.
Molecular consequence: frameshift variant. On other transcripts: 5 prime UTR variant (1), non-coding transcript variant (3), intron variant (2).
Genome position (GRCh38, 1-based): chr12:109,581,523, C deleted; the last of 3 consecutive C bases (chr12:109,581,521-109,581,523); deleting any one gives the same sequence. VCF-style (leftmost placement, unchanged base first): chr12-109581520-AC-A. GRCh37 (hg19) VCF-style: chr12-110019325-AC-A.
Other names: c.500del, p.Pro167fs (NM_001114185.3, NM_001414511.1, NM_001414512.1 and 1 more transcripts); c.-83del (NM_001414515.1); c.371+1577del (NM_001414514.1, NM_001301182.2); short protein forms P167fs.
Identifiers: ClinVar variation 5014505 (VCV005014505.1).

ClinVar aggregate classification (germline): Pathogenic (1 of 4 stars; one submission).

Conditions:
Deficiency of mevalonate kinase. Also called: Mevalonate kinase deficiency. Identifiers: Orphanet 309025, MedGen C0342731, MONDO:0017708.

Submission:

Myriad Genetics, Inc.
Classification: Pathogenic for Deficiency of mevalonate kinase. Last evaluated: 2025-05-24. Review status: criteria provided, single submitter. Criteria: Myriad Autosomal Dominant, Autosomal Recessive and X-Linked Classification Criteria (2023). Collection method: clinical testing. Allele origin: unknown.
Comment: NM_000431.2(MVK):c.500delC(P167Rfs*2) is expected to be pathogenic in the context of mevalonate kinase deficiency. This variant is predicted to lead to an abnormal or absent protein product due to the creation of a premature termination codon in MVK, a gene where loss-of-function variants are known to be pathogenic. Please note: this variant was assessed in the context of healthy population screening.